The following is an entry in ClinVar:

ClinVar aggregate classification (germline): Uncertain significance (1 of 4 stars; one submission).

Conditions:
Inborn genetic diseases. Identifiers: MedGen C0950123, MeSH D030342.

Submission:

Ambry Genetics
Classification: Uncertain significance for Inborn genetic diseases. Last evaluated: 2026-04-08. Review status: criteria provided, single submitter. Criteria: Ambry Variant Classification Scheme 2023. Collection method: clinical testing. Allele origin: germline.
Comment: The c.407G>A (p.S136N) alteration is located in exon 5 (coding exon 5) of the ATP2A2 gene. This alteration results from a G to A substitution at nucleotide position 407, causing the serine (S) at amino acid position 136 to be replaced by an asparagine (N). Based on data from gnomAD, the A allele has an overall frequency of <0.001% (1/251424) total alleles studied. The highest observed frequency was 0.003% (1/30612) of South Asian alleles. Based on insufficient or conflicting evidence, the clinical significance of this alteration remains unclear.

NM_170665.4(ATP2A2):c.407G>A (p.Ser136Asn)

Gene: ATP2A2 (ATPase sarcoplasmic/endoplasmic reticulum Ca2+ transporting 2; plus strand). Cytogenetic location: 12q24.11.
Variant type: single nucleotide variant.
Coding change: c.407G>A on transcript NM_170665.4 (MANE Select); coding-DNA position 407, G replaced by A.
Protein change: p.Ser136Asn; replaces serine 136 with asparagine.
Molecular consequence: missense variant.
Genome position (GRCh38, 1-based): chr12:110,296,681, G>A. VCF-style: chr12-110296681-G-A. GRCh37 (hg19) VCF-style: chr12-110734486-G-A.
Other names: c.302G>A, p.Ser101Asn (NM_001413013.1); c.407G>A, p.Ser136Asn (NM_001413014.1, NM_001681.4); c.32G>A, p.Ser11Asn (NM_001413015.1); short protein forms S101N, S11N, S136N.
Identifiers: ClinVar variation 4867134 (VCV004867134.1).